The following is an entry in ClinVar:

ClinVar aggregate classification (germline): Uncertain significance (1 of 4 stars; one submission).

Conditions:
Nemaline myopathy 2 (NEM2). Also called: Nemaline myopathy 2, autosomal recessive. Identifiers: MedGen C1850569, MONDO:0009725, OMIM 256030.

Submission:

Labcorp Genetics (formerly Invitae), Labcorp
Classification: Uncertain significance for Nemaline myopathy 2. Last evaluated: 2023-05-23. Review status: criteria provided, single submitter. Criteria: Invitae Variant Classification Sherloc (09022015). Collection method: clinical testing. Allele origin: germline.
Comment: This variant is not present in population databases (gnomAD no frequency). In summary, the available evidence is currently insufficient to determine the role of this variant in disease. Therefore, it has been classified as a Variant of Uncertain Significance. Experimental studies and prediction algorithms are not available or were not evaluated, and the functional significance of this variant is currently unknown. ClinVar contains an entry for this variant (Variation ID: 1368318). This variant has not been reported in the literature in individuals affected with NEB-related conditions. This sequence change replaces alanine, which is neutral and non-polar, with aspartic acid, which is acidic and polar, at codon 1662 of the NEB protein (p.Ala1662Asp).

NM_001164508.2(NEB):c.4985C>A (p.Ala1662Asp)

Gene: NEB (nebulin; minus strand). Cytogenetic location: 2q23.3.
Variant type: single nucleotide variant.
Coding change: c.4985C>A on transcript NM_001164508.2 (MANE Select); coding-DNA position 4985, C replaced by A.
Protein change: p.Ala1662Asp; replaces alanine 1662 with aspartic acid.
Molecular consequence: missense variant.
Genome position (GRCh38, 1-based): chr2:151,666,136, G>T on the plus strand (C>A on the coding strand, the complement: NEB is on the minus strand). VCF-style: chr2-151666136-G-T. GRCh37 (hg19) VCF-style: chr2-152522650-G-T.
Other names: c.4985C>A, p.Ala1662Asp (NM_001164507.2, NM_001271208.2, NM_004543.5); short protein forms A1662D.
Identifiers: ClinVar variation 1368318 (VCV001368318.8), dbSNP rs2154178777, ClinGen allele CA348813099.
Genomic context (GRCh38, chr2:151,666,136, plus strand): 5'-TAACCAGTACATACATCACTCTGAATCTGCATGGCATTCCTGGAGTGCTCCACATTCAAG[G>T]CATCGGGCAGGAGAGTGTAGTGGTGGTATGACTGTCTGTAGTTGGCGTTGGTGGCAACCT-3'
Protein context (NP_001157980.2, residues 1652-1672): SYHHYTLLPD[Ala1662Asp]LNVEHSRNAM